The following is an entry in ClinVar:

ClinVar aggregate classification (germline): Benign (0 of 4 stars; one submission).

Conditions:
HEPHL1-related disorder. Also called: HEPHL1-related condition.

Allele frequency attached by ClinVar (database versions not stated): ExAC 0.00395; gnomAD 0.00770; 1000 Genomes Project 30x 0.00828; 1000 Genomes Project 0.00839; ESP Exome Variant Server 0.00932.
gnomAD v4.1: 2,250 of 1,606,676 alleles (0.14%); highest among the groups gnomAD compares: African/African-American, 2.7%; 32 homozygotes.

Submission:

PreventionGenetics, part of Exact Sciences
Classification: Benign for HEPHL1-related condition. Last evaluated: 2019-11-07. Review status: no assertion criteria provided. Collection method: clinical testing. Allele origin: germline.
Comment: This variant is classified as benign based on ACMG/AMP sequence variant interpretation guidelines (Richards et al. 2015 PMID: 25741868, with internal and published modifications).

NM_001098672.2(HEPHL1):c.1122G>C (p.Lys374Asn)

Gene: HEPHL1 (hephaestin like 1; plus strand). Cytogenetic location: 11q21.
Variant type: single nucleotide variant.
Coding change: c.1122G>C on transcript NM_001098672.2 (MANE Select); coding-DNA position 1122, G replaced by C.
Protein change: p.Lys374Asn; replaces lysine 374 with asparagine.
Molecular consequence: missense variant.
Genome position (GRCh38, 1-based): chr11:94,070,432, G>C. VCF-style: chr11-94070432-G-C. GRCh37 (hg19) VCF-style: chr11-93803598-G-C.
Other names: short protein forms K374N.
Identifiers: ClinVar variation 3057235 (VCV003057235.2), dbSNP rs147568254, ClinGen allele CA6233161.